The following is an entry in ClinVar:

NM_005431.2(XRCC2):c.240T>G (p.Phe80Leu)

Gene: XRCC2 (X-ray repair cross complementing 2; minus strand). Cytogenetic location: 7q36.1.
Variant type: single nucleotide variant.
Coding change: c.240T>G on transcript NM_005431.2 (MANE Select); coding-DNA position 240, T replaced by G.
Protein change: p.Phe80Leu; replaces phenylalanine 80 with leucine.
Molecular consequence: missense variant.
Genome position (GRCh38, 1-based): chr7:152,649,245, A>C on the plus strand (T>G on the coding strand, the complement: XRCC2 is on the minus strand). VCF-style: chr7-152649245-A-C. GRCh37 (hg19) VCF-style: chr7-152346330-A-C.
Other names: short protein forms F80L.
Identifiers: ClinVar variation 4771773 (VCV004771773.1).

ClinVar aggregate classification (germline): Uncertain significance (1 of 4 stars; one submission).

Submission:

Labcorp Genetics (formerly Invitae), Labcorp
Classification: Uncertain significance. Last evaluated: 2025-10-20. Review status: criteria provided, single submitter. Criteria: Invitae Variant Classification Sherloc (09022015). Collection method: clinical testing. Allele origin: germline.
Comment: This sequence change replaces phenylalanine, which is neutral and non-polar, with leucine, which is neutral and non-polar, at codon 80 of the XRCC2 protein (p.Phe80Leu). This variant is not present in population databases (gnomAD no frequency). This variant has not been reported in the literature in individuals affected with XRCC2-related conditions. Invitae Evidence Modeling of protein sequence and biophysical properties (such as structural, functional, and spatial information, amino acid conservation, physicochemical variation, residue mobility, and thermodynamic stability) indicates that this missense variant is not expected to disrupt XRCC2 protein function with a negative predictive value of 80%. In summary, the available evidence is currently insufficient to determine the role of this variant in disease. Therefore, it has been classified as a Variant of Uncertain Significance.